The following is an entry in ClinVar:

ClinVar aggregate classification (germline): Likely benign. Review status: criteria provided, single submitter (1 of 4 stars). 2 submissions from 1 submitter: Likely benign (2). Last evaluated 2018-01-12.

Conditions:
Susceptibility to mononeuropathy of the median nerve, mild. Also called: CARPAL TUNNEL SYNDROME, SUSCEPTIBILITY TO. Identifiers: MedGen C3150596, MONDO:0013237, OMIM 613353.
Charcot-Marie-Tooth disease type 4C (CMT4C). Also called: CHARCOT-MARIE-TOOTH DISEASE, DEMYELINATING, AUTOSOMAL RECESSIVE, TYPE 4C; CMT 4C; Charcot-Marie-Tooth Neuropathy Type 4C (CMT4C); CHARCOT-MARIE-TOOTH DISEASE, DEMYELINATING, TYPE 4C; SH3TC2-Related Hereditary Motor and Sensory Neuropathy. Identifiers: Orphanet 99949, MedGen C1866636, MONDO:0011113, OMIM 601596.

Allele frequency attached by ClinVar (database versions not stated): 1000 Genomes Project 0.00060; 1000 Genomes Project 30x 0.00094; TOPMed 0.00126; gnomAD 0.00127.

Submissions (2):

Illumina Laboratory Services, Illumina
Classification: Likely benign for Susceptibility to mononeuropathy of the median nerve, mild. Last evaluated: 2018-01-12. Review status: criteria provided, single submitter. Criteria: ICSL Variant Classification Criteria 13 December 2019. Collection method: clinical testing. Allele origin: germline.
Comment: This variant was observed in the ICSL laboratory as part of a predisposition screen in an ostensibly healthy population. It had not been previously curated by ICSL or reported in the Human Gene Mutation Database (HGMD: prior to June 1st, 2018), and was therefore a candidate for classification through an automated scoring system. Utilizing variant allele frequency, disease prevalence and penetrance estimates, and inheritance mode, an automated score was calculated to assess if this variant is too frequent to cause the disease. Based on the score and internal cut-off values, a variant classified as likely benign is not then subjected to further curation. The score for this variant resulted in a classification of likely benign for this disease.

Illumina Laboratory Services, Illumina
Classification: Likely benign for Charcot-Marie-Tooth disease type 4C. Last evaluated: 2018-01-12. Review status: criteria provided, single submitter. Criteria: ICSL Variant Classification Criteria 13 December 2019. Collection method: clinical testing. Allele origin: germline.
Comment: the same text as in the submission from Illumina Laboratory Services, Illumina above.

NM_024577.4(SH3TC2):c.*2081T>G

Gene: SH3TC2 (SH3 domain and tetratricopeptide repeats 2; minus strand). Cytogenetic location: 5q32.
Variant type: single nucleotide variant.
Coding change: c.*2081T>G on transcript NM_024577.4 (MANE Select); 2081 bases downstream of the stop codon, T replaced by G.
Molecular consequence: 3 prime UTR variant.
Genome position (GRCh38, 1-based): chr5:149,002,630, A>C on the plus strand (T>G on the coding strand, the complement: SH3TC2 is on the minus strand). VCF-style: chr5-149002630-A-C. GRCh37 (hg19) VCF-style: chr5-148382193-A-C.
Identifiers: ClinVar variation 351860 (VCV000351860.5), dbSNP rs543206033, ClinGen allele CA10619576.